The following is an entry in ClinVar:

NM_004839.4(HOMER2):c.765G>C (p.Glu255Asp)

Gene: HOMER2 (homer scaffold protein 2; minus strand). Cytogenetic location: 15q25.2.
Variant type: single nucleotide variant.
Coding change: c.765G>C on transcript NM_004839.4 (MANE Select); coding-DNA position 765, G replaced by C.
Protein change: p.Glu255Asp; replaces glutamic acid 255 with aspartic acid.
Molecular consequence: missense variant.
Genome position (GRCh38, 1-based): chr15:82,851,229, C>G on the plus strand (G>C on the coding strand, the complement: HOMER2 is on the minus strand). VCF-style: chr15-82851229-C-G. GRCh37 (hg19) VCF-style: chr15-83519981-C-G.
Other names: c.798G>C, p.Glu266Asp (NM_199330.3); short protein forms E255D, E266D.
Identifiers: ClinVar variation 2509437 (VCV002509437.3), dbSNP rs1307296657, ClinGen allele CA393320071.

ClinVar aggregate classification (germline): Uncertain significance. Review status: criteria provided, multiple submitters, no conflicts (2 of 4 stars). 2 submissions from 2 submitters: Uncertain significance (2). Last evaluated 2023-05-24.

Conditions:
Inborn genetic diseases. Identifiers: MedGen C0950123, MeSH D030342.

Allele frequency attached by ClinVar (database versions not stated): gnomAD 0.00001; TOPMed 0.00002.

Submissions (2):

Ambry Genetics
Classification: Uncertain significance for Inborn genetic diseases. Last evaluated: 2023-05-24. Review status: criteria provided, single submitter. Criteria: Ambry Variant Classification Scheme 2023. Collection method: clinical testing. Allele origin: germline.

GeneDx
Classification: Uncertain significance. Last evaluated: 2022-03-15. Review status: criteria provided, single submitter. Criteria: GeneDx Variant Classification Process June 2021. Collection method: clinical testing. Allele origin: germline.
Comment: In silico analysis supports that this missense variant has a deleterious effect on protein structure/function; Has not been previously published as pathogenic or benign to our knowledge; Variants in candidate genes are classified as variants of uncertain significance in accordance with ACMG guidelines (Richards et al., 2015)